The following is an entry in ClinVar:

ClinVar aggregate classification (germline): Uncertain significance (1 of 4 stars; one submission).

Conditions:
Cornelia de Lange syndrome 3 (CDLS3). Also called: SMC3-Related Cornelia de Lange Syndrome; CORNELIA DE LANGE SYNDROME 3 WITH OR WITHOUT MIDLINE BRAIN DEFECTS. Identifiers: Orphanet 199, MedGen C1853099, MONDO:0012555, OMIM 610759.

Allele frequency attached by ClinVar (database versions not stated): gnomAD exomes 0.00001 and 0.00002; TOPMed 0.00001; gnomAD 0.00002.
gnomAD v4.1: 38 of 1,613,642 alleles (0.0024%); highest among the groups gnomAD compares: Admixed American, 0.0083%; no homozygotes.

Submission:

Labcorp Genetics (formerly Invitae), Labcorp
Classification: Uncertain significance for Cornelia de Lange syndrome 3. Last evaluated: 2024-10-29. Review status: criteria provided, single submitter. Criteria: Invitae Variant Classification Sherloc (09022015). Collection method: clinical testing. Allele origin: germline.
Comment: This sequence change falls in intron 21 of the SMC3 gene. It does not directly change the encoded amino acid sequence of the SMC3 protein. It affects a nucleotide within the consensus splice site. This variant is present in population databases (rs779451107, gnomAD 0.003%). This variant has not been reported in the literature in individuals affected with SMC3-related conditions. ClinVar contains an entry for this variant (Variation ID: 1359330). Variants that disrupt the consensus splice site are a relatively common cause of aberrant splicing (PMID: 17576681, 9536098). Algorithms developed to predict the effect of sequence changes on RNA splicing suggest that this variant is not likely to affect RNA splicing. In summary, the available evidence is currently insufficient to determine the role of this variant in disease. Therefore, it has been classified as a Variant of Uncertain Significance.

Literature cited by the submitters: PubMed 17576681; PubMed 9536098.

NM_005445.4(SMC3):c.2427+6T>C

Gene: SMC3 (structural maintenance of chromosomes 3; plus strand). Cytogenetic location: 10q25.2.
Variant type: single nucleotide variant.
Coding change: c.2427+6T>C on transcript NM_005445.4 (MANE Select); 6 bases into the intron after coding-DNA position 2427, T replaced by C.
Molecular consequence: intron variant.
Genome position (GRCh38, 1-based): chr10:110,599,818, T>C. VCF-style: chr10-110599818-T-C. GRCh37 (hg19) VCF-style: chr10-112359576-T-C.
Identifiers: ClinVar variation 1359330 (VCV001359330.6), dbSNP rs779451107, ClinGen allele CA213247596.